The following is an entry in ClinVar:

NM_005188.4(CBL):c.2312A>T (p.Asp771Val)

Gene: CBL (Cbl proto-oncogene; plus strand). Cytogenetic location: 11q23.3.
Variant type: single nucleotide variant.
Coding change: c.2312A>T on transcript NM_005188.4 (MANE Select); coding-DNA position 2312, A replaced by T.
Protein change: p.Asp771Val; replaces aspartic acid 771 with valine.
Molecular consequence: missense variant.
Genome position (GRCh38, 1-based): chr11:119,298,418, A>T. VCF-style: chr11-119298418-A-T. GRCh37 (hg19) VCF-style: chr11-119169128-A-T.
Other names: p.D771V:GAT>GTT; short protein forms D771V.
Identifiers: ClinVar variation 40420 (VCV000040420.48), dbSNP rs199788586, ClinGen allele CA135718.

ClinVar aggregate classification (germline): Conflicting classifications of pathogenicity. Review status: criteria provided, conflicting classifications (1 of 4 stars). 9 submissions from 9 submitters: Uncertain significance (3); Likely benign (5). 1 of the submissions does not count toward it. Last evaluated 2026-01-19.

Conditions:
CBL-related disorder. Also called: NOONAN SYNDROME-LIKE DISORDER WITHOUT JUVENILE MYELOMONOCYTIC LEUKEMIA; CBL MUTATION-ASSOCIATED SYNDROME; CBL SYNDROME. Identifiers: Orphanet 363972, MedGen C3150803, MONDO:0013308, OMIM 613563.
Noonan syndrome and Noonan-related syndrome. Identifiers: Orphanet 98733, MedGen C5681679, MONDO:0020297.
Cardiovascular phenotype. Identifiers: MedGen CN230736.
RASopathy. Also called: rasopathies; Noonan spectrum disorder. Identifiers: Orphanet 536391, MedGen C5555857, MONDO:0021060.

Allele frequency attached by ClinVar (database versions not stated): TOPMed 0.00008; gnomAD exomes 0.00009; gnomAD 0.00010; ExAC 0.00012; ESP Exome Variant Server 0.00015.
gnomAD v4.1: 163 of 1,614,060 alleles (0.01%); highest among the groups gnomAD compares: Middle Eastern, 0.082%; 1 homozygote.

Submissions (9):

Labcorp Genetics (formerly Invitae), Labcorp
Classification: Likely benign for RASopathy. Last evaluated: 2026-01-19. Review status: criteria provided, single submitter. Criteria: Invitae Variant Classification Sherloc (09022015). Collection method: clinical testing. Allele origin: germline.

CeGaT Center for Human Genetics Tuebingen
Classification: Likely benign. Last evaluated: 2025-12-01. Review status: criteria provided, single submitter. Criteria: CeGaT Center For Human Genetics Tuebingen Variant Classification Criteria Version 2. Collection method: clinical testing. Allele origin: germline. Affected: yes. Observed: 3 variant alleles.
Comment: CBL: BP4, BS1

GeneDx
Classification: Likely benign. Last evaluated: 2025-06-09. Review status: criteria provided, single submitter. Criteria: GeneDx Variant Classification Process June 2021. Collection method: clinical testing. Allele origin: germline. Affected: yes.
Comment: See Variant Classification Assertion Criteria.

Blueprint Genetics
Classification: Likely benign. Last evaluated: 2024-10-23. Review status: criteria provided, single submitter. Criteria: ACMG Guidelines, 2015. Collection method: clinical testing. Allele origin: germline.

Ambry Genetics
Classification: Uncertain significance for Cardiovascular phenotype. Last evaluated: 2022-12-28. Review status: criteria provided, single submitter. Criteria: Ambry Variant Classification Scheme 2023. Collection method: clinical testing. Allele origin: germline.

Women's Health and Genetics/Laboratory Corporation of America, LabCorp
Classification: Likely benign. Last evaluated: 2021-06-14. Review status: criteria provided, single submitter. Criteria: LabCorp Variant Classification Summary - May 2015. Collection method: clinical testing. Allele origin: germline.
Comment: Variant summary: CBL c.2312A>T (p.Asp771Val) results in a non-conservative amino acid change in the encoded protein sequence. Three of five in-silico tools predict a damaging effect of the variant on protein function. The variant allele was found at a frequency of 9.1e-05 in 251462 control chromosomes. The observed variant frequency is approximately 37 fold of the estimated maximal expected allele frequency for a pathogenic variant in CBL causing Noonan Syndrome And Related Conditions phenotype (2.5e-06), strongly suggesting that the variant is benign. To our knowledge, no occurrence of c.2312A>T in individuals affected with Noonan Syndrome And Related Conditions and no experimental evidence demonstrating its impact on protein function have been reported. Two clinical diagnostic laboratories have submitted clinical-significance assessments for this variant to ClinVar after 2014 without evidence for independent evaluation. One laboratory has re-classified the variant as likely benign, and one laboratory classified the variant as uncertain significance. Based on the evidence outlined above, the variant was classified as likely benign.

Genome Diagnostics Laboratory, The Hospital for Sick Children
Classification: Uncertain significance for Noonan syndrome and Noonan-related syndrome. Last evaluated: 2020-09-22. Review status: criteria provided, single submitter. Criteria: ACMG Guidelines, 2015. Collection method: clinical testing. Allele origin: germline.

Laboratory for Molecular Medicine, Mass General Brigham Personalized Medicine
Classification: Uncertain significance. Last evaluated: 2016-08-23. Review status: criteria provided, single submitter. Criteria: LMM Criteria. Collection method: clinical testing. Allele origin: germline. Observed: 3 variant alleles.
Comment: Variant classified as Uncertain Significance - Favor Benign. The p.Asp771Val var iant in CBL has been identified by our laboratory in 2 Caucasian individuals wit h clinical features of a RASopathy disorder, both of whom also carried a disease -causing variant in another gene sufficient to explain their disease. This varia nt has been identified in 13/66740 European chromosomes by the Exome Aggregation Consortium (ExAC; dbSNP rs199788586). Computati onal prediction tools and conservation analysis suggest that this variant may no t impact the protein, though this information is not predictive enough to rule o ut pathogenicity. In summary, while the clinical significance of the p.Asp771Val variant is uncertain, the presence of this variant in combination with a report ed pathogenic variant suggests that it is more likely to be benign.

PreventionGenetics, part of Exact Sciences
Classification: Likely benign for CBL-related condition. Last evaluated: 2022-08-30. Review status: no assertion criteria provided. Collection method: clinical testing. Allele origin: germline. Not counted in ClinVar's aggregate classification.
Comment: This variant is classified as likely benign based on ACMG/AMP sequence variant interpretation guidelines (Richards et al. 2015 PMID: 25741868, with internal and published modifications).